The following is an entry in ClinVar:

ClinVar aggregate classification (germline): Uncertain significance. Review status: criteria provided, multiple submitters, no conflicts (2 of 4 stars). 2 submissions from 2 submitters: Uncertain significance (2). Last evaluated 2025-02-01.

Conditions:
Inborn genetic diseases. Identifiers: MedGen C0950123, MeSH D030342.

gnomAD v4.1: 7 of 1,614,024 alleles (0.00043%); highest among the groups gnomAD compares: Admixed American, 0.0017%; no homozygotes.

Submissions (2):

Ambry Genetics
Classification: Uncertain significance for Inborn genetic diseases. Last evaluated: 2025-02-01. Review status: criteria provided, single submitter. Criteria: Ambry Variant Classification Scheme 2023. Collection method: clinical testing. Allele origin: germline.

Mayo Clinic Laboratories, Mayo Clinic
Classification: Uncertain significance. Last evaluated: 2024-08-19. Review status: criteria provided, single submitter. Criteria: ACMG Guidelines, 2015. Collection method: clinical testing. Allele origin: germline. Observed: 1 variant allele.
Comment: PM2

NM_000294.3(PHKG2):c.689C>T (p.Ser230Leu)

Gene: PHKG2 (phosphorylase kinase catalytic subunit gamma 2; plus strand). Cytogenetic location: 16p11.2.
Variant type: single nucleotide variant.
Coding change: c.689C>T on transcript NM_000294.3 (MANE Select); coding-DNA position 689, C replaced by T.
Protein change: p.Ser230Leu; replaces serine 230 with leucine.
Molecular consequence: missense variant.
Genome position (GRCh38, 1-based): chr16:30,756,408, C>T. VCF-style: chr16-30756408-C-T. GRCh37 (hg19) VCF-style: chr16-30767729-C-T.
Other names: p.Ser230Leu; c.689C>T, p.Ser230Leu (NM_001172432.2); c.689C>T (NM_000294.2); short protein forms S230L.
Identifiers: ClinVar variation 3380384 (VCV003380384.2).
Genomic context (GRCh38, chr16:30,756,408, plus strand): 5'-ACTCCAGTCTCTTTCCCAGCTGGGCCTGTGGGGTGATCTTGTTCACACTCCTGGCTGGCT[C>T]GCCACCCTTCTGGCACCGGCGGCAGATCCTGATGTTACGCATGATCATGGAGGGCCAGTA-3'
Protein context (NP_000285.1, residues 220-240): GVILFTLLAG[Ser230Leu]PPFWHRRQIL